The following is an entry in ClinVar:

ClinVar aggregate classification (germline): Uncertain significance. Review status: criteria provided, multiple submitters, no conflicts (2 of 4 stars). 2 submissions from 2 submitters: Uncertain significance (2). Last evaluated 2025-05-23.

Conditions:
Inborn genetic diseases. Identifiers: MedGen C0950123, MeSH D030342.

Allele frequency attached by ClinVar (database versions not stated): ESP Exome Variant Server 0.00008.
gnomAD v4.1: 52 of 1,614,012 alleles (0.0032%); highest among the groups gnomAD compares: African/African-American, 0.025%; no homozygotes.

Submissions (2):

Ambry Genetics
Classification: Uncertain significance for Inborn genetic diseases. Last evaluated: 2025-05-23. Review status: criteria provided, single submitter. Criteria: Ambry Variant Classification Scheme 2023. Collection method: clinical testing. Allele origin: germline.

GeneDx
Classification: Uncertain significance. Last evaluated: 2023-04-06. Review status: criteria provided, single submitter. Criteria: GeneDx Variant Classification Process June 2021. Collection method: clinical testing. Allele origin: germline. Affected: yes.
Comment: In silico analysis supports that this missense variant does not alter protein structure/function; Has not been previously published as pathogenic or benign to our knowledge

NM_001378964.1(CDON):c.3515C>T (p.Pro1172Leu)

Gene: CDON (cell adhesion associated, oncogene regulated; minus strand). Cytogenetic location: 11q24.2.
Variant type: single nucleotide variant.
Coding change: c.3515C>T on transcript NM_001378964.1 (MANE Select); coding-DNA position 3515, C replaced by T.
Protein change: p.Pro1172Leu; replaces proline 1172 with leucine.
Molecular consequence: missense variant.
Genome position (GRCh38, 1-based): chr11:125,961,840, G>A on the plus strand (C>T on the coding strand, the complement: CDON is on the minus strand). VCF-style: chr11-125961840-G-A. GRCh37 (hg19) VCF-style: chr11-125831735-G-A.
Other names: c.3515C>T, p.Pro1172Leu (NM_001243597.3, NM_016952.6); short protein forms P1172L.
Identifiers: ClinVar variation 2454962 (VCV002454962.4), dbSNP rs370469702, ClinGen allele CA6351389.